The following is an entry in ClinVar:

ClinVar aggregate classification (germline): Conflicting classifications of pathogenicity. Review status: criteria provided, conflicting classifications (1 of 4 stars). 4 submissions from 4 submitters: Likely pathogenic (1); Uncertain significance (3). Last evaluated 2025-07-08.

Conditions:
Marfan syndrome (MFS). Also called: Marfan syndrome, classic; MARFAN SYNDROME, TYPE I; Marfan syndrome type 1; Marfan's syndrome; FBN1-Related Marfan Syndrome. Identifiers: Orphanet 284963, Orphanet 558, MedGen C0024796, MONDO:0007947, OMIM 154700.
Familial thoracic aortic aneurysm and aortic dissection (TAAD). Also called: Thoracic aortic aneurysms and dissections. Identifiers: Orphanet 91387, MedGen C4707243, MONDO:0019625.

Allele frequency attached by ClinVar (database versions not stated): gnomAD 0.00002.
gnomAD v4.1: 3 of 1,611,938 alleles (0.00019%); highest among the groups gnomAD compares: Admixed American, 0.0017%; no homozygotes.

Submissions (4):

Labcorp Genetics (formerly Invitae), Labcorp
Classification: Likely pathogenic for Marfan syndrome; Familial thoracic aortic aneurysm and aortic dissection. Last evaluated: 2025-07-08. Review status: criteria provided, single submitter. Criteria: Invitae Variant Classification Sherloc (09022015). Collection method: clinical testing. Allele origin: germline.
Comment: This sequence change replaces asparagine, which is neutral and polar, with histidine, which is basic and polar, at codon 57 of the FBN1 protein (p.Asn57His). This variant is not present in population databases (gnomAD no frequency). This variant has not been reported in the literature in individuals affected with FBN1-related conditions. ClinVar contains an entry for this variant (Variation ID: 1677784). Invitae Evidence Modeling of protein sequence and biophysical properties (such as structural, functional, and spatial information, amino acid conservation, physicochemical variation, residue mobility, and thermodynamic stability) indicates that this missense variant is expected to disrupt FBN1 protein function with a positive predictive value of 95%. This variant disrupts the p.Asn57 amino acid residue in FBN1. Other variant(s) that disrupt this residue have been determined to be pathogenic (PMID: 19533785, 24199744; internal data). This suggests that this residue is clinically significant, and that variants that disrupt this residue are likely to be disease-causing. In summary, the currently available evidence indicates that the variant is pathogenic, but additional data are needed to prove that conclusively. Therefore, this variant has been classified as Likely Pathogenic.

Dasa
Classification: Uncertain significance for Marfan syndrome. Last evaluated: 2025-04-28. Review status: criteria provided, single submitter. Criteria: DASA Assertion Criteria. Collection method: clinical testing. Allele origin: germline.
Comment: NM_000138.5(FBN1):c.169A>C (p.Asn57His) is a missense variant that results in the substitution of asparagine with histidine. This variant is rare in population databases. Computational prediction algorithms are consistent with a deleterious effect. The currently available literature and clinical evidence are not sufficient to establish a definitive association between this variant and the reported condition. Therefore, this variant is classified as a variant of uncertain significance.

All of Us Research Program, National Institutes of Health
Classification: Uncertain significance for Marfan syndrome. Last evaluated: 2024-03-05. Review status: criteria provided, single submitter. Criteria: ACMG Guidelines, 2015. Collection method: clinical testing. Allele origin: germline. Inheritance: Autosomal dominant inheritance. Observed: 1 variant allele, 1 heterozygote.
Comment: This study involves interpretation of variants in research participants for the purpose of population health screening. Participant phenotype was not available at the time of variant classification. Additional details can be found in publication PMID: 35346344, PMCID: PMC8962531

AiLife Diagnostics
Classification: Uncertain significance. Last evaluated: 2022-01-07. Review status: criteria provided, single submitter. Criteria: ACMG Guidelines, 2015. Collection method: clinical testing. Allele origin: germline. Affected: yes. Observed: 1 variant allele.

Literature cited by the submitters: PubMed 19533785 (cited by Labcorp Genetics (formerly Invitae), Labcorp); PubMed 24199744 (cited by Labcorp Genetics (formerly Invitae), Labcorp).

NM_000138.5(FBN1):c.169A>C (p.Asn57His)

Gene: FBN1 (fibrillin 1; minus strand). Cytogenetic location: 15q21.1.
Variant type: single nucleotide variant.
Coding change: c.169A>C on transcript NM_000138.5 (MANE Select); coding-DNA position 169, A replaced by C.
Protein change: p.Asn57His; replaces asparagine 57 with histidine.
Molecular consequence: missense variant.
Genome position (GRCh38, 1-based): chr15:48,613,088, T>G on the plus strand (A>C on the coding strand, the complement: FBN1 is on the minus strand). VCF-style: chr15-48613088-T-G. GRCh37 (hg19) VCF-style: chr15-48905285-T-G.
Other names: short protein forms N57H.
Identifiers: ClinVar variation 1677784 (VCV001677784.5), dbSNP rs2044669685, ClinGen allele CA392448527.
Genomic context (GRCh38, chr15:48,613,088, plus strand): 5'-CGCCAGGTAAGGTTTTCCATCCAGGGCAACAGTAAGCATTATAACGTGATCCACAGACAT[T>G]GGGTCTAAAACAAAAACAGAAGAATTCCATACTTTAAAAAAAAGAAGAAGAGGAAGAGAT-3'
Protein context (NP_000129.3, residues 47-67): GGGHDALKGP[Asn57His]VCGSRYNAYC